The following is an entry in ClinVar:

ClinVar aggregate classification (germline): Uncertain significance (1 of 4 stars; one submission).

gnomAD v4.1: 6 of 1,614,088 alleles (0.00037%); highest among the groups gnomAD compares: Non-Finnish European, 0.00051%; no homozygotes.

Submission:

Labcorp Genetics (formerly Invitae), Labcorp
Classification: Uncertain significance. Last evaluated: 2021-12-24. Review status: criteria provided, single submitter. Criteria: Invitae Variant Classification Sherloc (09022015). Collection method: clinical testing. Allele origin: germline.
Comment: This sequence change replaces cysteine, which is neutral and slightly polar, with phenylalanine, which is neutral and non-polar, at codon 511 of the LOXL3 protein (p.Cys511Phe). This variant is present in population databases (no rsID available, gnomAD 0.0009%). This variant has not been reported in the literature in individuals affected with LOXL3-related conditions. Algorithms developed to predict the effect of missense changes on protein structure and function (SIFT, PolyPhen-2, Align-GVGD) all suggest that this variant is likely to be disruptive. In summary, the available evidence is currently insufficient to determine the role of this variant in disease. Therefore, it has been classified as a Variant of Uncertain Significance.

NM_032603.5(LOXL3):c.1532G>T (p.Cys511Phe)

Gene: LOXL3 (lysyl oxidase like 3; minus strand). Cytogenetic location: 2p13.1.
Variant type: single nucleotide variant.
Coding change: c.1532G>T on transcript NM_032603.5 (MANE Select); coding-DNA position 1532, G replaced by T.
Protein change: p.Cys511Phe; replaces cysteine 511 with phenylalanine.
Molecular consequence: missense variant.
Genome position (GRCh38, 1-based): chr2:74,535,339, C>A on the plus strand (G>T on the coding strand, the complement: LOXL3 is on the minus strand). VCF-style: chr2-74535339-C-A. GRCh37 (hg19) VCF-style: chr2-74762466-C-A.
Other names: c.1097G>T, p.Cys366Phe (NM_001289164.3); c.449G>T, p.Cys150Phe (NM_001289165.2); short protein forms C366F, C511F, C150F.
Identifiers: ClinVar variation 2059342 (VCV002059342.1), dbSNP rs1380978373, ClinGen allele CA347387133.